The following is an entry in ClinVar:

NM_001009944.3(PKD1):c.11562C>T (p.Leu3854=)

Genes: PKD1 (polycystin 1, transient receptor potential channel interacting; minus strand), PKD1-AS1 (PKD1 antisense RNA 1; plus strand). Cytogenetic location: 16p13.3.
Variant type: single nucleotide variant.
Coding change: c.11562C>T on transcript NM_001009944.3 (MANE Select); coding-DNA position 11562, C replaced by T.
Protein change: p.Leu3854=; no amino-acid change (leucine 3854 retained).
Molecular consequence: synonymous variant. On other transcripts: non-coding transcript variant (1).
Genome position (GRCh38, 1-based): chr16:2,091,573, G>A on the plus strand (C>T on the coding strand, the complement: PKD1 is on the minus strand). VCF-style: chr16-2091573-G-A. GRCh37 (hg19) VCF-style: chr16-2141574-G-A.
Other names: c.11559C>T, p.Leu3853= (NM_000296.4).
Identifiers: ClinVar variation 4994376 (VCV004994376.1).

ClinVar aggregate classification (germline): Likely benign (1 of 4 stars; one submission).

Conditions:
PKD1-related disorder. Also called: PKD1-related condition.

gnomAD v4.1: 2 of 1,549,590 alleles (0.00013%); highest among the groups gnomAD compares: South Asian, 0.0012%; no homozygotes.

Submission:

PreventionGenetics, part of Exact Sciences
Classification: Likely benign for PKD1-related condition. Last evaluated: 2025-11-25. Review status: criteria provided, single submitter. Criteria: ACMG Guidelines, 2015. Collection method: clinical testing. Allele origin: germline.
Comment: This variant is classified as likely benign based on ACMG/AMP sequence variant interpretation guidelines (Richards et al. 2015 PMID: 25741868, with internal and published modifications).